The following is an entry in ClinVar:

ClinVar aggregate classification (germline): Uncertain significance. Review status: criteria provided, multiple submitters, no conflicts (2 of 4 stars). 2 submissions from 2 submitters: Uncertain significance (2). Last evaluated 2023-11-15.

Conditions:
Hereditary cancer-predisposing syndrome. Also called: Hereditary neoplastic syndrome; Neoplastic Syndromes, Hereditary; Tumor predisposition; Hereditary Cancer Syndrome. Identifiers: Orphanet 140162, MedGen C0027672, MeSH D009386, MONDO:0015356.
Cardiovascular phenotype. Identifiers: MedGen CN230736.
Neurofibromatosis, type 1 (NF1). Also called: NEUROFIBROMATOSIS, TYPE I, SOMATIC; Peripheral type neurofibromatosis; VON RECKLINGHAUSEN DISEASE; Neurofibromatosis, type I. Identifiers: Orphanet 636, MedGen C0027831, MONDO:0018975, OMIM 162200. Disease mechanism: loss of function.

Submissions (2):

Ambry Genetics
Classification: Uncertain significance for Cardiovascular phenotype; Hereditary cancer-predisposing syndrome. Last evaluated: 2023-11-15. Review status: criteria provided, single submitter. Criteria: Ambry Variant Classification Scheme 2023. Collection method: clinical testing. Allele origin: germline.
Comment: The c.6084+5T>C intronic variant results from a T to C substitution 5 nucleotides after coding exon 40 in the NF1 gene. This nucleotide position is not well conserved in available vertebrate species. In silico splice site analysis predicts that this alteration will not have any significant effect on splicing. Since supporting evidence is limited at this time, the clinical significance of this alteration remains unclear.

Labcorp Genetics (formerly Invitae), Labcorp
Classification: Uncertain significance for Neurofibromatosis, type 1. Last evaluated: 2020-09-17. Review status: criteria provided, single submitter. Criteria: Invitae Variant Classification Sherloc (09022015). Collection method: clinical testing. Allele origin: germline.
Comment: In summary, the available evidence is currently insufficient to determine the role of this variant in disease. Therefore, it has been classified as a Variant of Uncertain Significance. Nucleotide substitutions within the consensus splice site are a relatively common cause of aberrant splicing (PMID: 17576681, 9536098). Algorithms developed to predict the effect of sequence changes on RNA splicing suggest that this variant is not likely to affect RNA splicing, but this prediction has not been confirmed by published transcriptional studies. This variant has not been reported in the literature in individuals with NF1-related conditions. This variant is not present in population databases (ExAC no frequency). This sequence change falls in intron 40 of the NF1 gene. It does not directly change the encoded amino acid sequence of the NF1 protein, but it affects a nucleotide within the consensus splice site of the intron.

Literature cited by the submitters: PubMed 17576681 (cited by Labcorp Genetics (formerly Invitae), Labcorp); PubMed 9536098 (cited by Labcorp Genetics (formerly Invitae), Labcorp).

NM_001042492.3(NF1):c.6147+5T>C

Gene: NF1 (neurofibromin 1; plus strand). Cytogenetic location: 17q11.2.
Variant type: single nucleotide variant.
Coding change: c.6147+5T>C on transcript NM_001042492.3 (MANE Select); 5 bases into the intron after coding-DNA position 6147, T replaced by C.
Molecular consequence: intron variant.
Genome position (GRCh38, 1-based): chr17:31,336,478, T>C. VCF-style: chr17-31336478-T-C. GRCh37 (hg19) VCF-style: chr17-29663496-T-C.
Other names: c.6084+5T>C (NM_000267.4).
Identifiers: ClinVar variation 1002286 (VCV001002286.6), dbSNP rs1597842332, ClinGen allele CA2255620371.